The following is an entry in ClinVar:

NM_001376013.1(EPB41):c.1059dup (p.Lys354Ter)

Gene: EPB41 (erythrocyte membrane protein band 4.1; plus strand). Cytogenetic location: 1p35.3.
Variant type: Duplication.
Coding change: c.1059dup on transcript NM_001376013.1 (MANE Select); coding-DNA position 1059, one base duplicated (T; older notation c.1059dupT).
Protein change: p.Lys354Ter; replaces lysine 354 with a stop codon.
Molecular consequence: nonsense.
Genome position (GRCh38, 1-based): chr1:29,018,377, T duplicated; the last of 4 consecutive T bases (chr1:29,018,374-29,018,377); duplicating any one gives the same sequence. VCF-style (leftmost placement, unchanged base first): chr1-29018373-A-AT. GRCh37 (hg19) VCF-style: chr1-29344885-A-AT.
Other names: c.1059dup, p.Lys354Ter (NM_001166005.2, NM_001166006.2, NM_001376014.1 and 7 more transcripts); c.432dup, p.Lys145Ter (NM_001166007.2, NM_001376022.1, NM_001376023.1 and 7 more transcripts); c.954dup, p.Lys319Ter (NM_203343.3); short protein forms K145*, K319*, K354*.
Identifiers: ClinVar variation 3341889 (VCV003341889.16).

ClinVar aggregate classification (germline): Pathogenic (1 of 4 stars; one submission).

Submission:

CeGaT Center for Human Genetics Tuebingen
Classification: Pathogenic. Last evaluated: 2024-07-01. Review status: criteria provided, single submitter. Criteria: CeGaT Center For Human Genetics Tuebingen Variant Classification Criteria Version 2. Collection method: clinical testing. Allele origin: germline. Affected: yes. Observed: 2 variant alleles.
Comment: EPB41: PVS1, PM2